The following is an entry in ClinVar:

NM_007294.4(BRCA1):c.1506_1510del (p.Leu502_Lys503insTer)

Gene: BRCA1 (BRCA1 DNA repair associated; minus strand). Cytogenetic location: 17q21.31.
Variant type: Deletion.
Coding change: c.1506_1510del on transcript NM_007294.4 (MANE Select); coding-DNA positions 1506 to 1510, 5 bases deleted (AAAGC; older notation c.1506_1510delAAAGC).
Protein change: p.Leu502_Lys503insTer.
Molecular consequence: frameshift variant. On other transcripts: intron variant (137).
Genome position (GRCh38, 1-based): chr17:43,094,021-43,094,025, GCTTT deleted on the plus strand (AAAGC on the coding strand, the reverse complement: BRCA1 is on the minus strand). VCF-style (leftmost placement, unchanged base first): chr17-43094020-CGCTTT-C. GRCh37 (hg19) VCF-style: chr17-41246037-CGCTTT-C.
Other names: c.1293_1297del, p.Leu431_Lys432insTer (NM_001407571.1, NM_001407853.1, NM_001407894.1 and 9 more transcripts); c.1506_1510del, p.Leu502_Lys503insTer (NM_001407581.1, NM_001407582.1, NM_001407583.1 and 30 more transcripts); c.1503_1507del, p.Leu501_Lys502insTer (NM_001407587.1, NM_001407590.1, NM_001407591.1 and 22 more transcripts); c.1497_1501del, p.Leu499_Lys500insTer (NM_001407646.1, NM_001407647.1); c.1383_1387del, p.Leu461_Lys462insTer (NM_001407648.1, NM_001407664.1, NM_001407665.1 and 19 more transcripts); c.1380_1384del, p.Leu460_Lys461insTer (NM_001407649.1, NM_001407670.1, NM_001407671.1 and 11 more transcripts); c.1428_1432del, p.Leu476_Lys477insTer (NM_001407653.1, NM_001407654.1, NM_001407655.1 and 4 more transcripts); c.1425_1429del, p.Leu475_Lys476insTer (NM_001407659.1, NM_001407660.1, NM_001407661.1 and 1 more transcripts); and 40 more.
Identifiers: ClinVar variation 54273 (VCV000054273.3), dbSNP rs397508876, ClinGen allele CA001009.

ClinVar aggregate classification (germline): Pathogenic. Review status: reviewed by expert panel (3 of 4 stars). 2 submissions from 2 submitters: Pathogenic (1). 1 of the submissions does not count toward it. Last evaluated 2017-12-15.

Conditions:
Breast-ovarian cancer, familial, susceptibility to, 1 (BROVCA1). Also called: OVARIAN CANCER, SUSCEPTIBILITY TO; BRCA1 Hereditary Breast and Ovarian Cancer. Identifiers: Orphanet 145, MedGen C2676676, MONDO:0011450, OMIM 604370. Disease mechanism: loss of function.
Familial cancer of breast. Also called: Hereditary breast cancer; hereditary breast carcinoma; BREAST CANCER, FAMILIAL. Identifiers: Orphanet 227535, MedGen C0346153, MONDO:0016419, OMIM 114480. Disease mechanism: loss of function.

Submissions (2):

Evidence-based Network for the Interpretation of Germline Mutant Alleles (ENIGMA)
Classification: Pathogenic for Breast-ovarian cancer, familial, susceptibility to, 1. Last evaluated: 2017-12-15. Review status: reviewed by expert panel. Criteria: ENIGMA BRCA1/2 Classification Criteria (2017-06-29). Collection method: curation. Allele origin: germline. Study: ENIGMA.
Comment: Variant allele predicted to encode a truncated non-functional protein.

ClinVar Staff, National Center for Biotechnology Information (NCBI)
No classification provided. Condition: Familial cancer of breast. Review status: no classification provided. Collection method: literature only. Allele origin: germline. Affected: yes. Not counted in ClinVar's aggregate classification.

Literature cited by the submitters: PubMed 11030417 (cited by ClinVar Staff, National Center for Biotechnology Information (NCBI)).